The following is an entry in ClinVar:

NM_020831.6(MRTFA):c.2149G>A (p.Gly717Arg)

Gene: MRTFA (myocardin related transcription factor A; minus strand). Cytogenetic location: 22q13.1.
Variant type: single nucleotide variant.
Coding change: c.2149G>A on transcript NM_020831.6 (MANE Select); coding-DNA position 2149, G replaced by A.
Protein change: p.Gly717Arg; replaces glycine 717 with arginine.
Molecular consequence: missense variant.
Genome position (GRCh38, 1-based): chr22:40,418,589, C>T on the plus strand (G>A on the coding strand, the complement: MRTFA is on the minus strand). VCF-style: chr22-40418589-C-T. GRCh37 (hg19) VCF-style: chr22-40814593-C-T.
Other names: c.1849G>A, p.Gly617Arg (NM_001282660.2); c.1999G>A, p.Gly667Arg (NM_001282661.3); c.2149G>A, p.Gly717Arg (NM_001282662.3); c.1954G>A, p.Gly652Arg (NM_001318139.2); short protein forms G617R, G652R, G667R, G717R.
Identifiers: ClinVar variation 1682993 (VCV001682993.8), dbSNP rs758702747, ClinGen allele CA10249439.
Genomic context (GRCh38, chr22:40,418,589, plus strand): 5'-CGGGGACCGGCTCGGGCTCAGGCTGCAAGGCTTCCTGCTTCACCACCACGGACGGGGGCC[C>T]CGGGGCCACAGCACAAGGGTCTATGTGGTTGGTGGCTGGGGCCGCCAGGCTGGGGTTGAA-3'
Protein context (NP_065882.2, residues 707-727): NHIDPCAVAP[Gly717Arg]PPSVVVKQEA

ClinVar aggregate classification (germline): Uncertain significance (1 of 4 stars; one submission).

Allele frequency attached by ClinVar (database versions not stated): gnomAD exomes below 0.00001 and 0.00001; ExAC 0.00001.
gnomAD v4.1: 2 of 1,549,490 alleles (0.00013%); highest among the groups gnomAD compares: African/African-American, 0.0014%; no homozygotes.

Submission:

Labcorp Genetics (formerly Invitae), Labcorp
Classification: Uncertain significance. Last evaluated: 2022-08-16. Review status: criteria provided, single submitter. Criteria: Invitae Variant Classification Sherloc (09022015). Collection method: clinical testing. Allele origin: germline.
Comment: ClinVar contains an entry for this variant (Variation ID: 1682993). In summary, the available evidence is currently insufficient to determine the role of this variant in disease. Therefore, it has been classified as a Variant of Uncertain Significance. Algorithms developed to predict the effect of sequence changes on RNA splicing suggest that this variant may create or strengthen a splice site. Algorithms developed to predict the effect of missense changes on protein structure and function (SIFT, PolyPhen-2, Align-GVGD) all suggest that this variant is likely to be tolerated. This variant has not been reported in the literature in individuals affected with MKL1-related conditions. This variant is present in population databases (rs758702747, gnomAD 0.006%). This sequence change replaces glycine, which is neutral and non-polar, with arginine, which is basic and polar, at codon 617 of the MKL1 protein (p.Gly617Arg).